The following is an entry in ClinVar:

NM_005732.4(RAD50):c.1075C>G (p.Arg359Gly)

Gene: RAD50 (RAD50 double strand break repair protein; plus strand). Cytogenetic location: 5q31.1.
Variant type: single nucleotide variant.
Coding change: c.1075C>G on transcript NM_005732.4 (MANE Select); coding-DNA position 1075, C replaced by G.
Protein change: p.Arg359Gly; replaces arginine 359 with glycine.
Molecular consequence: missense variant.
Genome position (GRCh38, 1-based): chr5:132,588,710, C>G. VCF-style: chr5-132588710-C-G. GRCh37 (hg19) VCF-style: chr5-131924402-C-G.
Other names: c.1075C>G (NM_005732.3); short protein forms R359G.
Identifiers: ClinVar variation 1993942 (VCV001993942.6), dbSNP rs1750641105, ClinGen allele CA360942120.
Genomic context (GRCh38, chr5:132,588,710, plus strand): 5'-AGTTGAAAAAAAAATTATGAGATTTTTTTTTTAAAAGGTCGTCTACAGCTGCAAGCAGAT[C>G]GCCATCAAGAACATATCCGAGCTAGAGATTCATTAATTCAGTCTTTGGCAACACAGCTAG-3'
Protein context (NP_005723.2, residues 349-369): EQGRLQLQAD[Arg359Gly]HQEHIRARDS

ClinVar aggregate classification (germline): Uncertain significance. Review status: criteria provided, multiple submitters, no conflicts (2 of 4 stars). 2 submissions from 2 submitters: Uncertain significance (2). Last evaluated 2023-05-08.

Conditions:
Hereditary cancer-predisposing syndrome. Also called: Tumor predisposition; Hereditary Cancer Syndrome; Hereditary neoplastic syndrome; Neoplastic Syndromes, Hereditary. Identifiers: Orphanet 140162, MedGen C0027672, MeSH D009386, MONDO:0015356.

Submissions (2):

Ambry Genetics
Classification: Uncertain significance for Hereditary cancer-predisposing syndrome. Last evaluated: 2023-05-08. Review status: criteria provided, single submitter. Criteria: Ambry Variant Classification Scheme 2023. Collection method: clinical testing. Allele origin: germline.
Comment: The p.R359G variant (also known as c.1075C>G), located in coding exon 8 of the RAD50 gene, results from a C to G substitution at nucleotide position 1075. The arginine at codon 359 is replaced by glycine, an amino acid with dissimilar properties. This amino acid position is conserved. In addition, this alteration is predicted to be tolerated by in silico analysis. Since supporting evidence is limited at this time, the clinical significance of this alteration remains unclear.

Labcorp Genetics (formerly Invitae), Labcorp
Classification: Uncertain significance for Hereditary cancer-predisposing syndrome. Last evaluated: 2022-08-21. Review status: criteria provided, single submitter. Criteria: Invitae Variant Classification Sherloc (09022015). Collection method: clinical testing. Allele origin: germline.
Comment: This variant is not present in population databases (gnomAD no frequency). This sequence change replaces arginine, which is basic and polar, with glycine, which is neutral and non-polar, at codon 359 of the RAD50 protein (p.Arg359Gly). This variant has not been reported in the literature in individuals affected with RAD50-related conditions. Algorithms developed to predict the effect of missense changes on protein structure and function (SIFT, PolyPhen-2, Align-GVGD) all suggest that this variant is likely to be tolerated. In summary, the available evidence is currently insufficient to determine the role of this variant in disease. Therefore, it has been classified as a Variant of Uncertain Significance.